The following is an entry in ClinVar:

ClinVar aggregate classification (germline): Pathogenic/Likely pathogenic. Review status: criteria provided, multiple submitters, no conflicts (2 of 4 stars). 4 submissions from 4 submitters: Pathogenic (2); Likely pathogenic (2). Last evaluated 2025-12-16.

Conditions:
PHEX-related disorder. Also called: PHEX-related condition.
Familial X-linked hypophosphatemic vitamin D refractory rickets (XLHRD). Also called: HYPOPHOSPHATEMIC VITAMIN D-RESISTANT RICKETS; X-Linked Hypophosphatemia; Hypophosphatemic Rickets, X-Linked Dominant; Hypophosphatemia, vitamin D-resistant rickets; Vitamin D-resistant rickets, X-linked. Identifiers: Orphanet 89936, MedGen C0733682, MONDO:0010619, OMIM 307800.

Submissions (4):

Women's Health and Genetics/Laboratory Corporation of America, LabCorp
Classification: Likely pathogenic for Familial X-linked hypophosphatemic vitamin D refractory rickets. Last evaluated: 2025-12-16. Review status: criteria provided, single submitter. Criteria: LabCorp Variant Classification Summary - May 2015. Collection method: clinical testing. Allele origin: germline.
Comment: Variant summary: PHEX c.254G>T (p.Cys85Phe) results in a non-conservative amino acid change in the encoded protein sequence. Algorithms developed to predict the effect of missense changes on protein structure and function all suggest that this variant is likely to be disruptive. The variant was absent in 183379 control chromosomes. c.254G>T has been observed in at-least two individuals affected with X-Linked Hypophosphatemic Rickets (Tyynismaa_2000,Gaucher_2009). These data indicate that the variant may be associated with disease. Three different variants affecting the same codon have been classified as likely pathogenic or pathogenic (c.253T>C, p.Cys85Arg, in our lab; c.254G>C, p.Cys85Ser and c.254G>A, p.Cys85Tyr), supporting the critical relevance of codon 85 to PHEX protein function. To our knowledge, no experimental evidence demonstrating an impact on protein function has been reported. The following publications have been ascertained in the context of this evaluation (PMID: 10737991, 16636593,19219621). ClinVar contains an entry for this variant (Variation ID: 1686024). Based on the evidence outlined above, the variant was classified as likely pathogenic.

Labcorp Genetics (formerly Invitae), Labcorp
Classification: Pathogenic. Last evaluated: 2024-12-11. Review status: criteria provided, single submitter. Criteria: Invitae Variant Classification Sherloc (09022015). Collection method: clinical testing. Allele origin: germline.
Comment: This sequence change replaces cysteine, which is neutral and slightly polar, with phenylalanine, which is neutral and non-polar, at codon 85 of the PHEX protein (p.Cys85Phe). This variant is not present in population databases (gnomAD no frequency). This missense change has been observed in individual(s) with hypophosphatemic rickets (PMID: 10737991, 19219621). ClinVar contains an entry for this variant (Variation ID: 1686024). Invitae Evidence Modeling of protein sequence and biophysical properties (such as structural, functional, and spatial information, amino acid conservation, physicochemical variation, residue mobility, and thermodynamic stability) indicates that this missense variant is expected to disrupt PHEX protein function with a positive predictive value of 95%. This variant disrupts the p.Cys85 amino acid residue in PHEX. Other variant(s) that disrupt this residue have been determined to be pathogenic (PMID: 9106524, 11502829). This suggests that this residue is clinically significant, and that variants that disrupt this residue are likely to be disease-causing. For these reasons, this variant has been classified as Pathogenic.

Mendelics
Classification: Pathogenic for Familial X-linked hypophosphatemic vitamin D refractory rickets. Last evaluated: 2022-05-04. Review status: criteria provided, single submitter. Criteria: Mendelics Assertion Criteria 2019. Collection method: clinical testing. Allele origin: germline.

Blueprint Genetics
Classification: Likely pathogenic for PHEX-related disorders. Last evaluated: 2017-12-01. Review status: criteria provided, single submitter. Criteria: ACMG Guidelines, 2015. Collection method: clinical testing. Allele origin: germline. Affected: yes. Observed: 1 variant allele.

Literature cited by the submitters: PubMed 10737991 (cited by Women's Health and Genetics/Laboratory Corporation of America, LabCorp and Labcorp Genetics (formerly Invitae), Labcorp); PubMed 16636593 (cited by Women's Health and Genetics/Laboratory Corporation of America, LabCorp); PubMed 19219621 (cited by Women's Health and Genetics/Laboratory Corporation of America, LabCorp and Labcorp Genetics (formerly Invitae), Labcorp); PubMed 9106524 (cited by Labcorp Genetics (formerly Invitae), Labcorp); PubMed 11502829 (cited by Labcorp Genetics (formerly Invitae), Labcorp).

NM_000444.6(PHEX):c.254G>T (p.Cys85Phe)

Gene: PHEX (phosphate regulating endopeptidase X-linked; plus strand). Cytogenetic location: Xp22.11.
Variant type: single nucleotide variant.
Coding change: c.254G>T on transcript NM_000444.6 (MANE Select); coding-DNA position 254, G replaced by T.
Protein change: p.Cys85Phe; replaces cysteine 85 with phenylalanine.
Molecular consequence: missense variant.
Genome position (GRCh38, 1-based): chrX:22,047,116, G>T. VCF-style: chrX-22047116-G-T. GRCh37 (hg19) VCF-style: chrX-22065234-G-T.
Other names: c.254G>T, p.Cys85Phe (NM_001282754.2); short protein forms C85F.
Identifiers: ClinVar variation 1686024 (VCV001686024.7), dbSNP rs137853269, ClinGen allele CA412567633.